The following is an entry in ClinVar:

ClinVar aggregate classification (germline): Uncertain significance. Review status: criteria provided, multiple submitters, no conflicts (2 of 4 stars). 3 submissions from 3 submitters: Uncertain significance (3). Last evaluated 2023-04-20.

Conditions:
Autosomal recessive nonsyndromic hearing loss 49. Also called: Deafness, neurosensory, autosomal recessive 49. Identifiers: Orphanet 90636, MedGen C1857811, MONDO:0012420, OMIM 610153.

Allele frequency attached by ClinVar (database versions not stated): ExAC 0.00001; gnomAD 0.00003 and 0.00004; TOPMed 0.00006.

Submissions (3):

GeneDx
Classification: Uncertain significance. Last evaluated: 2023-04-20. Review status: criteria provided, single submitter. Criteria: GeneDx Variant Classification Process June 2021. Collection method: clinical testing. Allele origin: germline. Affected: yes.
Comment: Not observed at significant frequency in large population cohorts (gnomAD); In silico analysis supports that this missense variant does not alter protein structure/function; Has not been previously published as pathogenic or benign to our knowledge

Labcorp Genetics (formerly Invitae), Labcorp
Classification: Uncertain significance. Last evaluated: 2022-10-05. Review status: criteria provided, single submitter. Criteria: Invitae Variant Classification Sherloc (09022015). Collection method: clinical testing. Allele origin: germline.
Comment: In summary, the available evidence is currently insufficient to determine the role of this variant in disease. Therefore, it has been classified as a Variant of Uncertain Significance. Advanced modeling of protein sequence and biophysical properties (such as structural, functional, and spatial information, amino acid conservation, physicochemical variation, residue mobility, and thermodynamic stability) performed at Invitae indicates that this missense variant is not expected to disrupt MARVELD2 protein function. ClinVar contains an entry for this variant (Variation ID: 354081). This variant has not been reported in the literature in individuals affected with MARVELD2-related conditions. This variant is present in population databases (rs556047320, gnomAD 0.004%). This sequence change replaces alanine, which is neutral and non-polar, with threonine, which is neutral and polar, at codon 152 of the MARVELD2 protein (p.Ala152Thr).

Illumina Laboratory Services, Illumina
Classification: Uncertain significance for Autosomal recessive nonsyndromic hearing loss 49. Last evaluated: 2018-01-13. Review status: criteria provided, single submitter. Criteria: ICSL Variant Classification Criteria 13 December 2019. Collection method: clinical testing. Allele origin: germline.

NM_001038603.3(MARVELD2):c.454G>A (p.Ala152Thr)

Gene: MARVELD2 (MARVEL domain containing 2; plus strand). Cytogenetic location: 5q13.2.
Variant type: single nucleotide variant.
Coding change: c.454G>A on transcript NM_001038603.3 (MANE Select); coding-DNA position 454, G replaced by A.
Protein change: p.Ala152Thr; replaces alanine 152 with threonine.
Molecular consequence: missense variant.
Genome position (GRCh38, 1-based): chr5:69,419,839, G>A. VCF-style: chr5-69419839-G-A. GRCh37 (hg19) VCF-style: chr5-68715666-G-A.
Other names: c.454G>A, p.Ala152Thr (NM_001244734.2); short protein forms A152T.
Identifiers: ClinVar variation 354081 (VCV000354081.11), dbSNP rs556047320, ClinGen allele CA3294050.